The following is an entry in ClinVar:

ClinVar aggregate classification (germline): Uncertain significance (1 of 4 stars; one submission).

Submission:

Dasa
Classification: Uncertain significance. Last evaluated: 2025-11-27. Review status: criteria provided, single submitter. Criteria: DASA Assertion Criteria. Collection method: clinical testing. Allele origin: germline.
Comment: NM_001164760.2(PRKAR1B):c.441-3442T>C is an intronic variant. This variant is absent from population databases. The currently available literature and clinical evidence are not sufficient to establish a definitive association between this variant and the reported condition. Therefore, this variant is classified as a variant of uncertain significance.

NM_001164760.2(PRKAR1B):c.441-3442T>C

Gene: PRKAR1B (protein kinase cAMP-dependent type I regulatory subunit beta; minus strand). Cytogenetic location: 7p22.3.
Variant type: single nucleotide variant.
Coding change: c.441-3442T>C on transcript NM_001164760.2 (MANE Select); 3442 bases into the intron before coding-DNA position 441, T replaced by C.
Molecular consequence: intron variant.
Genome position (GRCh38, 1-based): chr7:610,894, A>G on the plus strand (T>C on the coding strand, the complement: PRKAR1B is on the minus strand). VCF-style: chr7-610894-A-G. GRCh37 (hg19) VCF-style: chr7-650531-A-G.
Other names: c.441-3442T>C (NM_001164759.1, NM_001164758.2, NM_001164761.2 and 2 more transcripts).
Identifiers: ClinVar variation 4880843 (VCV004880843.2).